The following is an entry in ClinVar:

ClinVar aggregate classification (germline): Pathogenic. Review status: criteria provided, multiple submitters, no conflicts (2 of 4 stars). 3 submissions from 3 submitters: Pathogenic (3). Last evaluated 2025-04-16.

Conditions:
Sjögren-Larsson syndrome (SLS). Also called: FALDH DEFICIENCY; FATTY ALCOHOL:NAD+ OXIDOREDUCTASE DEFICIENCY; FATTY ALDEHYDE DEHYDROGENASE DEFICIENCY; ICHTHYOSIS, SPASTIC NEUROLOGIC DISORDER, AND OLIGOPHRENIA. Identifiers: Orphanet 816, MedGen C0037231, MONDO:0010031, OMIM 270200.

Submissions (3):

Natera, Inc.
Classification: Pathogenic for Sjögren-Larsson syndrome. Last evaluated: 2025-04-16. Review status: criteria provided, single submitter. Criteria: Natera Variant Classification Schema (03/2026). Collection method: clinical testing. Allele origin: germline.
Comment: The c.901_909delGCTTTTGGTinsCCTTTGGG variant in ALDH3A2 is a frameshift variant predicted to shift the reading frame beginning at codon 301 and leads to a stop codon 13 codons downstream. This variant is expected to result in nonsense mediated decay, truncation, or a dysfunctional protein product. This variant is rare in the general population with a frequency below the threshold expected for the associated phenotype(s). This variant has been observed in one or more individuals affected with the associated recessive disease, as either homozygous or compound heterozygous with a second variant (PMID: 9829906). This variant has been found together with another disease-causing variant in the same copy of the gene (PMID: 29183715). Given the available evidence, this variant is classified as Pathogenic.

Labcorp Genetics (formerly Invitae), Labcorp
Classification: Pathogenic. Last evaluated: 2023-06-05. Review status: criteria provided, single submitter. Criteria: Invitae Variant Classification Sherloc (09022015). Collection method: clinical testing. Allele origin: germline.
Comment: This sequence change creates a premature translational stop signal (p.Ala301Profs*13) in the ALDH3A2 gene. It is expected to result in an absent or disrupted protein product. Loss-of-function variants in ALDH3A2 are known to be pathogenic (PMID: 10577908, 10854114). In summary, this is a rare variant that is almost always observed as part of a complex European haplotype with a second pathogenic variant. It has been observed in several individuals with Sjögren-Larsson syndrome, and is expected to result in a disrupted protein product. For these reasons, this variant has been classified as Pathogenic. This variant has been described in the literature as part of a complex haplotype in individuals affected with Sjoegren-Larsson syndrome with European heritage (PMID: 29183715, 9829906). In these individuals this variant is described as three separate sequence changes that occur on the same chromosome (in cis) (c.901 G>C; c.906delT; and c.909 T>G), and is often described in combination with a second pathogenic variant c.733 G>A (p.Asp245Asn). ClinVar contains an entry for this complex haplotype (Variation ID: 438264). The frequency data for this variant in the population databases is considered unreliable, as metrics indicate poor data quality at this position in the gnomAD database.

CeGaT Center for Human Genetics Tuebingen
Classification: Pathogenic. Last evaluated: 2022-04-01. Review status: criteria provided, single submitter. Criteria: CeGaT Center For Human Genetics Tuebingen Variant Classification Criteria Version 2. Collection method: clinical testing. Allele origin: germline. Affected: yes. Observed: 1 variant allele.
Comment: ALDH3A2: PVS1, PM2

Literature cited by the submitters: PubMed 9829906 (cited by Natera, Inc. and Labcorp Genetics (formerly Invitae), Labcorp); PubMed 29183715 (cited by Natera, Inc. and Labcorp Genetics (formerly Invitae), Labcorp); PubMed 10577908 (cited by Labcorp Genetics (formerly Invitae), Labcorp); PubMed 10854114 (cited by Labcorp Genetics (formerly Invitae), Labcorp).

NM_000382.3(ALDH3A2):c.901_909delinsCCTTTGGG (p.Ala301fs)

Gene: ALDH3A2 (aldehyde dehydrogenase 3 family member A2; plus strand). Cytogenetic location: 17p11.2.
Variant type: Indel.
Coding change: c.901_909delinsCCTTTGGG on transcript NM_000382.3 (MANE Select); coding-DNA positions 901 to 909, GCTTTTGGT replaced by CCTTTGGG.
Protein change: p.Ala301fs; shifts the reading frame from alanine 301.
Molecular consequence: frameshift variant.
Genome position (GRCh38, 1-based): chr17:19,661,229-19,661,237, GCTTTTGGT replaced by CCTTTGGG. VCF-style: chr17-19661229-GCTTTTGGT-CCTTTGGG. GRCh37 (hg19) VCF-style: chr17-19564542-GCTTTTGGT-CCTTTGGG.
Other names: c.901_909delGCTTTTGGTinsCCTTTGGG (NM_000382.2); c.901_909delinsCCTTTGGG, p.Ala301fs (NM_001031806.2, NM_001369136.1, NM_001369137.2 and 3 more transcripts); c.322_330delinsCCTTTGGG, p.Ala108fs (NM_001369148.2); short protein forms A108fs, A301fs.
Identifiers: ClinVar variation 966941 (VCV000966941.37), dbSNP rs2084962182, ClinGen allele CA1139665278.
Genomic context (GRCh38, chr17:19,661,229, plus strand): 5'-AGGATCATCAATCTTCGTCATTTTAAGAGGATACTAAGTTTGCTTGAAGGACAAAAGATA[GCTTTTGGT>CCTTTGGG]GGGGAGACTGATGAGGCCACACGCTACATAGGTAATGGAAATTCTCCTTTTCCTATGGGA-3'